The following is an entry in ClinVar:

NM_000045.4(ARG1):c.562T>G (p.Tyr188Asp)

Genes: ARG1 (arginase 1; plus strand), MED23 (mediator complex subunit 23; minus strand). Cytogenetic location: 6q23.2.
Variant type: single nucleotide variant.
Coding change: c.562T>G on transcript NM_000045.4 (MANE Select); coding-DNA position 562, T replaced by G.
Protein change: p.Tyr188Asp; replaces tyrosine 188 with aspartic acid.
Molecular consequence: missense variant. On other transcripts: non-coding transcript variant (1), intron variant (2).
Genome position (GRCh38, 1-based): chr6:131,583,061, T>G. VCF-style: chr6-131583061-T-G. GRCh37 (hg19) VCF-style: chr6-131904201-T-G.
Other names: c.586T>G, p.Tyr196Asp (NM_001244438.2); c.307T>G, p.Tyr103Asp (NM_001369020.1); c.4077+4648A>C (NM_001270521.2); c.4095+4648A>C (NM_015979.4); short protein forms Y188D, Y103D, Y196D.
Identifiers: ClinVar variation 1435672 (VCV001435672.6), dbSNP rs934942148, ClinGen allele CA147897853.

ClinVar aggregate classification (germline): Uncertain significance (1 of 4 stars; one submission).

Conditions:
Arginase deficiency. Also called: ARGININEMIA; ARG1 DEFICIENCY; Arginase 1 Deficiency. Identifiers: Orphanet 90, MedGen C0268548, MONDO:0008814, OMIM 207800.

Allele frequency attached by ClinVar (database versions not stated): TOPMed 0.00002.
gnomAD v4.1: 30 of 1,609,030 alleles (0.0019%); highest among the groups gnomAD compares: Non-Finnish European, 0.0023%; no homozygotes.

Submission:

Labcorp Genetics (formerly Invitae), Labcorp
Classification: Uncertain significance for Arginase deficiency. Last evaluated: 2025-12-22. Review status: criteria provided, single submitter. Criteria: Invitae Variant Classification Sherloc (09022015). Collection method: clinical testing. Allele origin: germline.
Comment: This sequence change replaces tyrosine, which is neutral and polar, with aspartic acid, which is acidic and polar, at codon 188 of the ARG1 protein (p.Tyr188Asp). This variant is not present in population databases (gnomAD no frequency). This variant has not been reported in the literature in individuals affected with ARG1-related conditions. ClinVar contains an entry for this variant (Variation ID: 1435672). An algorithm developed to predict the effect of missense changes on protein structure and function (PolyPhen-2) suggests that this variant is likely to be tolerated. In summary, the available evidence is currently insufficient to determine the role of this variant in disease. Therefore, it has been classified as a Variant of Uncertain Significance.